The following is an entry in ClinVar:

ClinVar aggregate classification (germline): Uncertain significance (1 of 4 stars; one submission).

Conditions:
Inborn genetic diseases. Identifiers: MedGen C0950123, MeSH D030342.

Submission:

Ambry Genetics
Classification: Uncertain significance for Inborn genetic diseases. Last evaluated: 2025-08-09. Review status: criteria provided, single submitter. Criteria: Ambry Variant Classification Scheme 2023. Collection method: clinical testing. Allele origin: germline.
Comment: The p.P417H variant (also known as c.1250C>A), located in coding exon 6 of the RECQL4 gene, results from a C to A substitution at nucleotide position 1250. The proline at codon 417 is replaced by histidine, an amino acid with similar properties. This amino acid position is conserved. In addition, this alteration is predicted to be tolerated by in silico analysis. Based on the available evidence, the clinical significance of this variant remains unclear.

NM_004260.4(RECQL4):c.1250C>A (p.Pro417His)

Gene: RECQL4 (RecQ like helicase 4; minus strand). Cytogenetic location: 8q24.3.
Variant type: single nucleotide variant.
Coding change: c.1250C>A on transcript NM_004260.4 (MANE Select); coding-DNA position 1250, C replaced by A.
Protein change: p.Pro417His; replaces proline 417 with histidine.
Molecular consequence: missense variant. On other transcripts: synonymous variant (5), non-coding transcript variant (3), intron variant (1).
Genome position (GRCh38, 1-based): chr8:144,515,772, G>T on the plus strand (C>A on the coding strand, the complement: RECQL4 is on the minus strand). VCF-style: chr8-144515772-G-T. GRCh37 (hg19) VCF-style: chr8-145741156-G-T.
Other names: c.117C>A, p.Ser39= (NM_001413030.1, NM_001413031.1, NM_001413032.1 and 2 more transcripts); c.1250C>A, p.Pro417His (NM_001413033.1, NM_001413036.1, NM_001413039.1 and 2 more transcripts); c.179C>A, p.Pro60His (NM_001413034.1, NM_001413035.1, NM_001413037.1 and 8 more transcripts); c.1154C>A, p.Pro385His (NM_001413017.1, NM_001413020.1); c.1121C>A, p.Pro374His (NM_001413025.1); c.899C>A, p.Pro300His (NM_001413029.1); c.-210+216C>A (NM_001413043.1); short protein forms P60H, P300H, P374H, P385H, P417H.
Identifiers: ClinVar variation 4152413 (VCV004152413.1).